The following is an entry in ClinVar:

NM_001868.4(CPA1):c.1048T>C (p.Tyr350His)

Gene: CPA1 (carboxypeptidase A1; plus strand). Cytogenetic location: 7q32.2.
Variant type: single nucleotide variant.
Coding change: c.1048T>C on transcript NM_001868.4 (MANE Select); coding-DNA position 1048, T replaced by C.
Protein change: p.Tyr350His; replaces tyrosine 350 with histidine.
Molecular consequence: missense variant.
Genome position (GRCh38, 1-based): chr7:130,385,899, T>C. VCF-style: chr7-130385899-T-C. GRCh37 (hg19) VCF-style: chr7-130025740-T-C.
Other names: short protein forms Y350H.
Identifiers: ClinVar variation 4559700 (VCV004559700.1).

ClinVar aggregate classification (germline): Uncertain significance (1 of 4 stars; one submission).

Conditions:
Hereditary pancreatitis (PCTT). Also called: Hereditary chronic pancreatitis; PRSS1-Related Hereditary Pancreatitis. Identifiers: Orphanet 676, MedGen C0238339, MONDO:0008185, OMIM 167800.

gnomAD v4.1: 1 of 1,614,100 alleles (0.000062%); highest among the groups gnomAD compares: East Asian, 0.0022%; no homozygotes.

Submission:

Ambry Genetics
Classification: Uncertain significance for Hereditary pancreatitis. Last evaluated: 2025-11-19. Review status: criteria provided, single submitter. Criteria: Ambry Variant Classification Scheme 2023. Collection method: clinical testing. Allele origin: germline.
Comment: The p.Y350H variant (also known as c.1048T>C), located in coding exon 9 of the CPA1 gene, results from a T to C substitution at nucleotide position 1048. The tyrosine at codon 350 is replaced by histidine, an amino acid with similar properties. This amino acid position is conserved. In addition, this alteration is predicted to be tolerated by in silico analysis. Based on the available evidence, the clinical significance of this variant remains unclear.